The following is an entry in ClinVar:

NM_021076.4(NEFH):c.1418_1422del (p.Glu473fs)

Gene: NEFH (neurofilament heavy chain; plus strand). Cytogenetic location: 22q12.2.
Variant type: Deletion.
Coding change: c.1418_1422del on transcript NM_021076.4 (MANE Select); coding-DNA positions 1418 to 1422, 5 bases deleted (AAGAG; older notation c.1418_1422delAAGAG).
Protein change: p.Glu473fs; shifts the reading frame from glutamic acid 473.
Molecular consequence: frameshift variant.
Genome position (GRCh38, 1-based): chr22:29,489,058-29,489,062, AAGAG deleted; deleting any 5 consecutive bases within chr22:29,489,056-29,489,062 gives the same sequence; the c. name uses the placement nearest the transcript's 3' end. VCF-style (leftmost placement, unchanged base first): chr22-29489055-AAGAAG-A. GRCh37 (hg19) VCF-style: chr22-29885044-AAGAAG-A.
Other names: c.1418_1422del5 (NM_021076.3); short protein forms E473fs.
Identifiers: ClinVar variation 3607957 (VCV003607957.3).

ClinVar aggregate classification (germline): Uncertain significance. Review status: criteria provided, multiple submitters, no conflicts (2 of 4 stars). 2 submissions from 2 submitters: Uncertain significance (2). Last evaluated 2025-07-18.

Conditions:
NEFH-related disorder. Also called: NEFH-related condition.

Submissions (2):

PreventionGenetics, part of Exact Sciences
Classification: Uncertain significance for NEFH-related condition. Last evaluated: 2025-07-18. Review status: criteria provided, single submitter. Criteria: ACMG Guidelines, 2015. Collection method: clinical testing. Allele origin: germline.
Comment: The NEFH c.1418_1422del5 variant is predicted to result in a frameshift and premature protein termination (p.Glu473Glyfs*16). To our knowledge, this variant has not been reported in the literature. This variant is reported in 0.0065% of alleles in individuals of European (Non-Finnish) descent in gnomAD. This frameshift variant is within the last exon of the gene; therefore, at this time, the clinical significance of this variant is uncertain due to the absence of conclusive functional and genetic evidence.

Labcorp Genetics (formerly Invitae), Labcorp
Classification: Uncertain significance. Last evaluated: 2024-11-05. Review status: criteria provided, single submitter. Criteria: Invitae Variant Classification Sherloc (09022015). Collection method: clinical testing. Allele origin: germline.
Comment: This sequence change creates a premature translational stop signal (p.Glu473Glyfs*16) in the NEFH gene. While this is not anticipated to result in nonsense mediated decay, it is expected to disrupt the last 548 amino acid(s) of the NEFH protein. This variant is present in population databases (no rsID available, gnomAD 0.007%). This variant has not been reported in the literature in individuals affected with NEFH-related conditions. In summary, the available evidence is currently insufficient to determine the role of this variant in disease. Therefore, it has been classified as a Variant of Uncertain Significance.